The following is an entry in ClinVar:

NM_000081.4(LYST):c.11354G>A (p.Arg3785His)

Gene: LYST (lysosomal trafficking regulator; minus strand). Cytogenetic location: 1q42.3.
Variant type: single nucleotide variant.
Coding change: c.11354G>A on transcript NM_000081.4 (MANE Select); coding-DNA position 11354, G replaced by A.
Protein change: p.Arg3785His; replaces arginine 3785 with histidine.
Molecular consequence: missense variant.
Genome position (GRCh38, 1-based): chr1:235,662,992, C>T on the plus strand (G>A on the coding strand, the complement: LYST is on the minus strand). VCF-style: chr1-235662992-C-T. GRCh37 (hg19) VCF-style: chr1-235826292-C-T.
Other names: p.Arg3785His; c.11354G>A, p.Arg3785His (NM_001301365.1); short protein forms R3785H.
Identifiers: ClinVar variation 451194 (VCV000451194.14), dbSNP rs370173269, ClinGen allele CA1465145.

ClinVar aggregate classification (germline): Uncertain significance. Review status: criteria provided, multiple submitters, no conflicts (2 of 4 stars). 7 submissions from 7 submitters: Uncertain significance (7). Last evaluated 2026-08-18.

Conditions:
LYST-related disorder. Also called: LYST-related condition.
Autoinflammatory syndrome. Identifiers: Orphanet 93665, MedGen C3890737, MONDO:0019751.
Chédiak-Higashi syndrome (CHS). Also called: Chediak-Higashi Syndrome. Identifiers: Orphanet 167, MedGen C0007965, MONDO:0008963, OMIM 214500.

Allele frequency attached by ClinVar (database versions not stated): gnomAD 0.00003 and 0.00004; gnomAD exomes 0.00003 and 0.00005; ExAC 0.00004; TOPMed 0.00004; ESP Exome Variant Server 0.00015.
gnomAD v4.1: 55 of 1,613,642 alleles (0.0034%); highest among the groups gnomAD compares: African/African-American, 0.004%; no homozygotes.

Submissions (7):

PreventionGenetics, part of Exact Sciences
Classification: Uncertain significance for LYST-related condition. Last evaluated: 2026-08-18. Review status: criteria provided, single submitter. Criteria: ACMG Guidelines, 2015. Collection method: clinical testing. Allele origin: germline.
Comment: The LYST c.11354G>A variant is predicted to result in the amino acid substitution p.Arg3785His. To our knowledge, this variant has not been reported in the literature. This variant is reported in 0.011% of alleles in individuals of East Asian descent in gnomAD. At this time, the clinical significance of this variant is uncertain due to the absence of conclusive functional and genetic evidence.

Blueprint Genetics
Classification: Uncertain significance. Last evaluated: 2024-09-23. Review status: criteria provided, single submitter. Criteria: ACMG Guidelines, 2015. Collection method: clinical testing. Allele origin: germline.

Mayo Clinic Laboratories, Mayo Clinic
Classification: Uncertain significance. Last evaluated: 2022-04-13. Review status: criteria provided, single submitter. Criteria: ACMG Guidelines, 2015. Collection method: clinical testing. Allele origin: germline. Observed: 1 variant allele.

Labcorp Genetics (formerly Invitae), Labcorp
Classification: Uncertain significance for Chédiak-Higashi syndrome. Last evaluated: 2021-08-30. Review status: criteria provided, single submitter. Criteria: Invitae Variant Classification Sherloc (09022015). Collection method: clinical testing. Allele origin: germline.
Comment: This sequence change replaces arginine with histidine at codon 3785 of the LYST protein (p.Arg3785His). The arginine residue is moderately conserved and there is a small physicochemical difference between arginine and histidine. This variant is present in population databases (rs370173269, ExAC 0.01%). This variant has not been reported in the literature in individuals affected with LYST-related conditions. ClinVar contains an entry for this variant (Variation ID: 451194). Algorithms developed to predict the effect of missense changes on protein structure and function are either unavailable or do not agree on the potential impact of this missense change (SIFT: "Tolerated"; PolyPhen-2: "Probably Damaging"; Align-GVGD: "Class C0"). In summary, the available evidence is currently insufficient to determine the role of this variant in disease. Therefore, it has been classified as a Variant of Uncertain Significance.

GeneDx
Classification: Uncertain significance. Last evaluated: 2019-12-18. Review status: criteria provided, single submitter. Criteria: GeneDx Variant Classification Process June 2021. Collection method: clinical testing. Allele origin: germline. Affected: yes.
Comment: Not observed at a significant frequency in large population cohorts (Lek et al., 2016); In silico analysis, which includes protein predictors and evolutionary conservation, supports that this variant does not alter protein structure/function

Genome Diagnostics Laboratory, The Hospital for Sick Children
Classification: Uncertain significance for Autoinflammatory syndrome. Last evaluated: 2018-08-01. Review status: criteria provided, single submitter. Criteria: ACMG Guidelines, 2015. Collection method: clinical testing. Allele origin: germline. Affected: yes.

Illumina Laboratory Services, Illumina
Classification: Uncertain significance for Chédiak-Higashi syndrome. Last evaluated: 2017-04-28. Review status: criteria provided, single submitter. Criteria: ICSL Variant Classification Criteria 13 December 2019. Collection method: clinical testing. Allele origin: germline.